The following is an entry in ClinVar:

ClinVar aggregate classification (germline): Benign/Likely benign. Review status: criteria provided, multiple submitters, no conflicts (2 of 4 stars). 7 submissions from 7 submitters: Benign (3); Likely benign (4). Last evaluated 2026-02-03.

Conditions:
Autoinflammatory syndrome. Identifiers: Orphanet 93665, MedGen C3890737, MONDO:0019751.
Pityriasis rubra pilaris (PRP). Also called: Pityriasis rubra pilaris--familial type. Identifiers: Orphanet 2897, MedGen C0032027, MONDO:0100017, OMIM 173200, MONDO:0008251.
Psoriasis 2. Identifiers: MedGen C1864497, MONDO:0011269, OMIM 602723.

Allele frequency attached by ClinVar (database versions not stated): 1000 Genomes Project 0.00819; 1000 Genomes Project 30x 0.00874; gnomAD 0.02139 and 0.02212; TOPMed 0.02164; ESP Exome Variant Server 0.02207; gnomAD exomes 0.02283 and 0.02948; ExAC 0.02301.
gnomAD v4.1: 46,315 of 1,613,618 alleles (2.9%); highest among the groups gnomAD compares: Middle Eastern, 6%; 763 homozygotes.

Submissions (7):

Labcorp Genetics (formerly Invitae), Labcorp
Classification: Benign for Pityriasis rubra pilaris; Psoriasis 2. Last evaluated: 2026-02-03. Review status: criteria provided, single submitter. Criteria: Invitae Variant Classification Sherloc (09022015). Collection method: clinical testing. Allele origin: germline.

Women's Health and Genetics/Laboratory Corporation of America, LabCorp
Classification: Likely benign. Last evaluated: 2026-01-21. Review status: criteria provided, single submitter. Criteria: LabCorp Variant Classification Summary - May 2015. Collection method: clinical testing. Allele origin: germline.

Blueprint Genetics
Classification: Likely benign. Last evaluated: 2024-11-27. Review status: criteria provided, single submitter. Criteria: ACMG Guidelines, 2015. Collection method: clinical testing. Allele origin: germline.

Mayo Clinic Laboratories, Mayo Clinic
Classification: Benign. Last evaluated: 2023-10-27. Review status: criteria provided, single submitter. Criteria: ACMG Guidelines, 2015. Collection method: clinical testing. Allele origin: germline. Observed: 77 variant alleles.
Comment: BA1, BP4

Genome Diagnostics Laboratory, The Hospital for Sick Children
Classification: Benign for Autoinflammatory syndrome. Last evaluated: 2022-01-22. Review status: criteria provided, single submitter. Criteria: ACMG Guidelines, 2015. Collection method: clinical testing. Allele origin: germline. Affected: yes.

GeneDx
Classification: Likely benign. Last evaluated: 2018-07-09. Review status: criteria provided, single submitter. Criteria: GeneDx Variant Classification Process June 2021. Collection method: clinical testing. Allele origin: germline. Affected: yes.
Comment: This variant is associated with the following publications: (PMID: 32199921)

Breakthrough Genomics
Classification: Likely benign. Review status: criteria provided, single submitter. Criteria: ACMG Guidelines, 2015. Collection method: not provided. Allele origin: germline. Inheritance: Autosomal dominant inheritance. Affected: yes.

NM_001366385.1(CARD14):c.1264G>A (p.Glu422Lys)

Gene: CARD14 (caspase recruitment domain family member 14; plus strand). Cytogenetic location: 17q25.3.
Variant type: single nucleotide variant.
Coding change: c.1264G>A on transcript NM_001366385.1 (MANE Select); coding-DNA position 1264, G replaced by A.
Protein change: p.Glu422Lys; replaces glutamic acid 422 with lysine.
Molecular consequence: missense variant. On other transcripts: non-coding transcript variant (1).
Genome position (GRCh38, 1-based): chr17:80,192,527, G>A. VCF-style: chr17-80192527-G-A. GRCh37 (hg19) VCF-style: chr17-78166326-G-A.
Other names: p.Glu422Lys; c.1264G>A, p.Glu422Lys (NM_024110.4, NM_001257970.1); c.553G>A, p.Glu185Lys (NM_052819.3); short protein forms E422K, E185K.
Identifiers: ClinVar variation 458085 (VCV000458085.20), dbSNP rs61751629, ClinGen allele CA8816738.